The following is an entry in ClinVar:

NM_018713.3(SLC30A10):c.280T>C (p.Phe94Leu)

Gene: SLC30A10 (solute carrier family 30 member 10; minus strand). Cytogenetic location: 1q41.
Variant type: single nucleotide variant.
Coding change: c.280T>C on transcript NM_018713.3 (MANE Select); coding-DNA position 280, T replaced by C.
Protein change: p.Phe94Leu; replaces phenylalanine 94 with leucine.
Molecular consequence: missense variant. On other transcripts: non-coding transcript variant (1), intron variant (1).
Genome position (GRCh38, 1-based): chr1:219,928,161, A>G on the plus strand (T>C on the coding strand, the complement: SLC30A10 is on the minus strand). VCF-style: chr1-219928161-A-G. GRCh37 (hg19) VCF-style: chr1-220101503-A-G.
Other names: c.-434T>C (NM_001416005.1); c.452-1056T>C (NM_001376929.1); short protein forms F94L.
Identifiers: ClinVar variation 2422000 (VCV002422000.6), dbSNP rs931668147, ClinGen allele CA37949479.

ClinVar aggregate classification (germline): Uncertain significance (1 of 4 stars; one submission).

gnomAD v4.1: 4 of 1,560,598 alleles (0.00026%); highest among the groups gnomAD compares: Admixed American, 0.0077%; no homozygotes.

Submission:

Labcorp Genetics (formerly Invitae), Labcorp
Classification: Uncertain significance. Last evaluated: 2022-05-27. Review status: criteria provided, single submitter. Criteria: Invitae Variant Classification Sherloc (09022015). Collection method: clinical testing. Allele origin: germline.
Comment: This sequence change replaces phenylalanine, which is neutral and non-polar, with leucine, which is neutral and non-polar, at codon 94 of the SLC30A10 protein (p.Phe94Leu). This variant is present in population databases (no rsID available, gnomAD 0.004%). This variant has not been reported in the literature in individuals affected with SLC30A10-related conditions. Algorithms developed to predict the effect of missense changes on protein structure and function (SIFT, PolyPhen-2, Align-GVGD) all suggest that this variant is likely to be tolerated. In summary, the available evidence is currently insufficient to determine the role of this variant in disease. Therefore, it has been classified as a Variant of Uncertain Significance.